The following is an entry in ClinVar:

ClinVar aggregate classification (germline): Likely pathogenic (1 of 4 stars; one submission).

Conditions:
Atrioventricular septal defect 5 (AVSD5). Identifiers: MedGen C3280939, MONDO:0013769, OMIM 614474.

Submission:

Labcorp Genetics (formerly Invitae), Labcorp
Classification: Likely pathogenic for Atrioventricular septal defect 5. Last evaluated: 2025-03-21. Review status: criteria provided, single submitter. Criteria: Invitae Variant Classification Sherloc (09022015). Collection method: clinical testing. Allele origin: germline.
Comment: This sequence change affects an acceptor splice site in intron 4 of the GATA6 gene. It is expected to disrupt RNA splicing. Variants that disrupt the donor or acceptor splice site typically lead to a loss of protein function (PMID: 16199547), and loss-of-function variants in GATA6 are known to be pathogenic (PMID: 22158542, 24310933). This variant is not present in population databases (gnomAD no frequency). This variant has not been reported in the literature in individuals affected with GATA6-related conditions. Algorithms developed to predict the effect of sequence changes on RNA splicing suggest that this variant may disrupt the consensus splice site. In summary, the currently available evidence indicates that the variant is pathogenic, but additional data are needed to prove that conclusively. Therefore, this variant has been classified as Likely Pathogenic.

Literature cited by the submitters: PubMed 16199547; PubMed 22158542; PubMed 24310933.

NM_005257.6(GATA6):c.1429-2A>G

Gene: GATA6 (GATA binding protein 6; plus strand). Cytogenetic location: 18q11.2.
Variant type: single nucleotide variant.
Coding change: c.1429-2A>G on transcript NM_005257.6 (MANE Select); the canonical splice acceptor site of the intron before coding-DNA position 1429, A replaced by G.
Molecular consequence: splice acceptor variant.
Genome position (GRCh38, 1-based): chr18:22,182,755, A>G. VCF-style: chr18-22182755-A-G. GRCh37 (hg19) VCF-style: chr18-19762716-A-G.
Identifiers: ClinVar variation 4715633 (VCV004715633.1).